The following is an entry in ClinVar:

NM_004168.4(SDHA):c.622-7C>T

Gene: SDHA (succinate dehydrogenase complex flavoprotein subunit A; plus strand). Cytogenetic location: 5p15.33.
Variant type: single nucleotide variant.
Coding change: c.622-7C>T on transcript NM_004168.4 (MANE Select); 7 bases into the intron before coding-DNA position 622, C replaced by T.
Molecular consequence: intron variant.
Genome position (GRCh38, 1-based): chr5:228,178, C>T. VCF-style: chr5-228178-C-T. GRCh37 (hg19) VCF-style: chr5-228293-C-T.
Other names: c.622-7C>T (NM_001330758.2); c.478-7C>T (NM_001294332.2).
Identifiers: ClinVar variation 772406 (VCV000772406.14), dbSNP rs759371428, ClinGen allele CA3172924.

ClinVar aggregate classification (germline): Likely benign. Review status: criteria provided, multiple submitters, no conflicts (2 of 4 stars). 4 submissions from 4 submitters: Likely benign (4). Last evaluated 2025-12-22.

Conditions:
Pheochromocytoma/paraganglioma syndrome 5. Also called: Paragangliomas 5; SDHA-Related Hereditary Paraganglioma-Pheochromocytoma Syndrome. Identifiers: Orphanet 29072, MedGen C3279992, MONDO:0013602, OMIM 614165.
Mitochondrial complex II deficiency, nuclear type 1. Also called: SUCCINATE CoQ REDUCTASE DEFICIENCY. Identifiers: Orphanet 3208, MedGen C5700310, MONDO:0100294, OMIM 252011.

Allele frequency attached by ClinVar (database versions not stated): ExAC 0.00002.

Submissions (4):

Labcorp Genetics (formerly Invitae), Labcorp
Classification: Likely benign for Pheochromocytoma/paraganglioma syndrome 5; Mitochondrial complex II deficiency, nuclear type 1. Last evaluated: 2025-12-22. Review status: criteria provided, single submitter. Criteria: Invitae Variant Classification Sherloc (09022015). Collection method: clinical testing. Allele origin: germline.

Myriad Genetics, Inc.
Classification: Likely benign for Pheochromocytoma/paraganglioma syndrome 5. Last evaluated: 2025-03-03. Review status: criteria provided, single submitter. Criteria: Myriad Autosomal Dominant, Autosomal Recessive and X-Linked Classification Criteria (2023). Collection method: clinical testing. Allele origin: unknown.
Comment: This variant is considered likely benign. This variant is intronic and is not expected to impact mRNA splicing.

ARUP Laboratories, Molecular Genetics and Genomics, ARUP Laboratories
Classification: Likely benign. Last evaluated: 2023-09-06. Review status: criteria provided, single submitter. Criteria: ARUP Molecular Germline Variant Investigation Process 2024. Collection method: clinical testing. Allele origin: germline.

Mendelics
Classification: Likely benign for Mitochondrial complex II deficiency, nuclear type 1. Last evaluated: 2019-05-28. Review status: criteria provided, single submitter. Criteria: Mendelics Assertion Criteria 2017. Collection method: clinical testing. Allele origin: unknown.